The following is an entry in ClinVar:

NM_014991.6(WDFY3):c.9431G>C (p.Ser3144Thr)

Gene: WDFY3 (WD repeat and FYVE domain containing 3; minus strand). Cytogenetic location: 4q21.23.
Variant type: single nucleotide variant.
Coding change: c.9431G>C on transcript NM_014991.6 (MANE Select); coding-DNA position 9431, G replaced by C.
Protein change: p.Ser3144Thr; replaces serine 3144 with threonine.
Molecular consequence: missense variant.
Genome position (GRCh38, 1-based): chr4:84,688,198, C>G on the plus strand (G>C on the coding strand, the complement: WDFY3 is on the minus strand). VCF-style: chr4-84688198-C-G. GRCh37 (hg19) VCF-style: chr4-85609351-C-G.
Other names: short protein forms S3144T.
Identifiers: ClinVar variation 3359336 (VCV003359336.1).

ClinVar aggregate classification (germline): Uncertain significance (1 of 4 stars; one submission).

Submission:

GeneDx
Classification: Uncertain significance. Last evaluated: 2023-05-31. Review status: criteria provided, single submitter. Criteria: GeneDx Variant Classification Process June 2021. Collection method: clinical testing. Allele origin: germline. Affected: yes.
Comment: Not observed at significant frequency in large population cohorts (gnomAD); In silico analysis supports that this missense variant has a deleterious effect on protein structure/function; Has not been previously published as pathogenic or benign to our knowledge